The following is an entry in ClinVar:

NM_006379.5(SEMA3C):c.327+10A>G

Gene: SEMA3C (semaphorin 3C; minus strand). Cytogenetic location: 7q21.11.
Variant type: single nucleotide variant.
Coding change: c.327+10A>G on transcript NM_006379.5 (MANE Select); 10 bases into the intron after coding-DNA position 327, A replaced by G.
Molecular consequence: intron variant.
Genome position (GRCh38, 1-based): chr7:80,827,415, T>C on the plus strand (A>G on the coding strand, the complement: SEMA3C is on the minus strand). VCF-style: chr7-80827415-T-C. GRCh37 (hg19) VCF-style: chr7-80456731-T-C.
Other names: c.381+10A>G (NM_001350120.2); c.153+10A>G (NM_001350121.2).
Identifiers: ClinVar variation 3046252 (VCV003046252.2), dbSNP rs747463370, ClinGen allele CA4316508.

ClinVar aggregate classification (germline): Likely benign (0 of 4 stars; one submission).

Conditions:
SEMA3C-related disorder. Also called: SEMA3C-related condition.

Allele frequency attached by ClinVar (database versions not stated): ExAC 0.00007.
gnomAD v4.1: 59 of 1,471,036 alleles (0.004%); highest among the groups gnomAD compares: Middle Eastern, 0.12%; no homozygotes.

Submission:

PreventionGenetics, part of Exact Sciences
Classification: Likely benign for SEMA3C-related condition. Last evaluated: 2021-08-31. Review status: no assertion criteria provided. Collection method: clinical testing. Allele origin: germline.
Comment: This variant is classified as likely benign based on ACMG/AMP sequence variant interpretation guidelines (Richards et al. 2015 PMID: 25741868, with internal and published modifications).